The following is an entry in ClinVar:

ClinVar aggregate classification (germline): Uncertain significance. Review status: criteria provided, multiple submitters, no conflicts (2 of 4 stars). 2 submissions from 2 submitters: Uncertain significance (2). Last evaluated 2022-09-01.

Conditions:
Pierpont syndrome (PRPTS). Identifiers: Orphanet 487825, MedGen C1865644, MONDO:0011213, OMIM 602342.

Submissions (2):

CeGaT Center for Human Genetics Tuebingen
Classification: Uncertain significance. Last evaluated: 2022-09-01. Review status: criteria provided, single submitter. Criteria: CeGaT Center For Human Genetics Tuebingen Variant Classification Criteria Version 2. Collection method: clinical testing. Allele origin: germline. Affected: yes. Observed: 2 variant alleles.
Comment: TBL1XR1: PM2, BP3

Labcorp Genetics (formerly Invitae), Labcorp
Classification: Uncertain significance for Pierpont syndrome. Last evaluated: 2022-07-12. Review status: criteria provided, single submitter. Criteria: Invitae Variant Classification Sherloc (09022015). Collection method: clinical testing. Allele origin: germline.
Comment: This variant has not been reported in the literature in individuals affected with TBL1XR1-related conditions. This variant is not present in population databases (gnomAD no frequency). This variant, c.342_350dup, results in the insertion of 3 amino acid(s) of the TBL1XR1 protein (p.Ala116_Ala118dup), but otherwise preserves the integrity of the reading frame. ClinVar contains an entry for this variant (Variation ID: 1487279). In summary, the available evidence is currently insufficient to determine the role of this variant in disease. Therefore, it has been classified as a Variant of Uncertain Significance. Experimental studies and prediction algorithms are not available or were not evaluated, and the functional significance of this variant is currently unknown.

NM_024665.7(TBL1XR1):c.342_350dup (p.Ala116_Ala118dup)

Gene: TBL1XR1 (TBL1X/Y related 1; minus strand). Cytogenetic location: 3q26.32.
Variant type: Duplication.
Coding change: c.342_350dup on transcript NM_024665.7 (MANE Select); coding-DNA positions 342 to 350, 9 bases duplicated (CGCAGCTGC; older notation c.342_350dupCGCAGCTGC).
Protein change: p.Ala116_Ala118dup.
Molecular consequence: inframe insertion.
Genome position (GRCh38, 1-based): chr3:177,051,581-177,051,589, GCAGCTGCG duplicated on the plus strand (CGCAGCTGC on the coding strand, the reverse complement: TBL1XR1 is on the minus strand); duplicating any 9 consecutive bases within chr3:177,051,581-177,051,597 gives the same sequence; the c. name uses the placement nearest the transcript's 3' end. VCF-style (leftmost placement, unchanged base first): chr3-177051580-T-TGCAGCTGCG. GRCh37 (hg19) VCF-style: chr3-176769368-T-TGCAGCTGCG.
Other names: c.342_350dup, p.Ala116_Ala118dup (NM_001321193.3, NM_001321194.3, NM_001374327.1 and 2 more transcripts); c.81_89dup, p.Ala29_Ala31dup (NM_001321195.3, NM_001374330.1).
Identifiers: ClinVar variation 1487279 (VCV001487279.30), dbSNP rs746988856, ClinGen allele CA2573136768.